The following is an entry in ClinVar:

ClinVar aggregate classification (germline): Likely benign. Review status: criteria provided, single submitter (1 of 4 stars). 2 submissions from 2 submitters: Likely benign (1). 1 of the submissions does not count toward it. Last evaluated 2025-12-15.

Conditions:
CFD-related disorder. Also called: CFD-related condition.

Allele frequency attached by ClinVar (database versions not stated): gnomAD 0.00001; gnomAD exomes 0.00003 and 0.00009; TOPMed 0.00005.
gnomAD v4.1: 18 of 1,540,752 alleles (0.0012%); highest among the groups gnomAD compares: Admixed American, 0.027%; no homozygotes.

Submissions (2):

Labcorp Genetics (formerly Invitae), Labcorp
Classification: Likely benign. Last evaluated: 2025-12-15. Review status: criteria provided, single submitter. Criteria: Invitae Variant Classification Sherloc (09022015). Collection method: clinical testing. Allele origin: germline.

PreventionGenetics, part of Exact Sciences
Classification: Likely benign for CFD-related condition. Last evaluated: 2020-03-30. Review status: no assertion criteria provided. Collection method: clinical testing. Allele origin: germline. Not counted in ClinVar's aggregate classification.
Comment: This variant is classified as likely benign based on ACMG/AMP sequence variant interpretation guidelines (Richards et al. 2015 PMID: 25741868, with internal and published modifications).

NM_001928.4(CFD):c.615+7C>T

Gene: CFD (complement factor D; plus strand). Cytogenetic location: 19p13.3.
Variant type: single nucleotide variant.
Coding change: c.615+7C>T on transcript NM_001928.4 (MANE Select); 7 bases into the intron after coding-DNA position 615, C replaced by T.
Molecular consequence: intron variant.
Genome position (GRCh38, 1-based): chr19:861,963, C>T. VCF-style: chr19-861963-C-T. GRCh37 (hg19) VCF-style: chr19-861963-C-T.
Other names: c.615+7C>T (NM_001928.3); c.636+7C>T (NM_001317335.2).
Identifiers: ClinVar variation 1596484 (VCV001596484.10), dbSNP rs778089050, ClinGen allele CA9026416.